The following is an entry in ClinVar:

NM_153252.5(BRWD3):c.854C>T (p.Ser285Phe)

Gene: BRWD3 (bromodomain and WD repeat domain containing 3; minus strand). Cytogenetic location: Xq21.1.
Variant type: single nucleotide variant.
Coding change: c.854C>T on transcript NM_153252.5 (MANE Select); coding-DNA position 854, C replaced by T.
Protein change: p.Ser285Phe; replaces serine 285 with phenylalanine.
Molecular consequence: missense variant.
Genome position (GRCh38, 1-based): chrX:80,736,048, G>A on the plus strand (C>T on the coding strand, the complement: BRWD3 is on the minus strand). VCF-style: chrX-80736048-G-A. GRCh37 (hg19) VCF-style: chrX-79991547-G-A.
Other names: short protein forms S285F.
Identifiers: ClinVar variation 3781093 (VCV003781093.1).

ClinVar aggregate classification (germline): Uncertain significance (1 of 4 stars; one submission).

Submission:

GeneDx
Classification: Uncertain significance. Last evaluated: 2024-10-09. Review status: criteria provided, single submitter. Criteria: GeneDx Variant Classification Process June 2021. Collection method: clinical testing. Allele origin: germline. Affected: yes.
Comment: Not observed at significant frequency in large population cohorts (gnomAD); In silico analysis supports that this missense variant has a deleterious effect on protein structure/function; Has not been previously published as pathogenic or benign to our knowledge